The following is an entry in ClinVar:

ClinVar aggregate classification (germline): Conflicting classifications of pathogenicity. Review status: criteria provided, conflicting classifications (1 of 4 stars). 3 submissions from 2 submitters: Uncertain significance (1); Likely benign (2). Last evaluated 2022-02-11.

Conditions:
Autosomal dominant nonsyndromic hearing loss 12. Also called: DEAFNESS, AUTOSOMAL DOMINANT 8. Identifiers: Orphanet 90635, MedGen C1832187, MONDO:0011102, OMIM 601543.
Autosomal recessive nonsyndromic hearing loss 21. Identifiers: Orphanet 90636, MedGen C1863655, MONDO:0011351, OMIM 603629.

Allele frequency attached by ClinVar (database versions not stated): gnomAD 0.00001; TOPMed 0.00002; gnomAD exomes 0.00003 and 0.00007; ExAC 0.00009.
gnomAD v4.1: 49 of 1,613,286 alleles (0.003%); highest among the groups gnomAD compares: East Asian, 0.082%; no homozygotes.

Submissions (3):

Labcorp Genetics (formerly Invitae), Labcorp
Classification: Likely benign. Last evaluated: 2022-02-11. Review status: criteria provided, single submitter. Criteria: Invitae Variant Classification Sherloc (09022015). Collection method: clinical testing. Allele origin: germline.

Illumina Laboratory Services, Illumina
Classification: Uncertain significance for Autosomal recessive nonsyndromic hearing loss 21. Last evaluated: 2018-01-13. Review status: criteria provided, single submitter. Criteria: ICSL Variant Classification Criteria 13 December 2019. Collection method: clinical testing. Allele origin: germline.

Illumina Laboratory Services, Illumina
Classification: Likely benign for Autosomal dominant nonsyndromic hearing loss 12. Last evaluated: 2018-01-13. Review status: criteria provided, single submitter. Criteria: ICSL Variant Classification Criteria 13 December 2019. Collection method: clinical testing. Allele origin: germline.
Comment: This variant was observed in the ICSL laboratory as part of a predisposition screen in an ostensibly healthy population. It had not been previously curated by ICSL or reported in the Human Gene Mutation Database (HGMD: prior to June 1st, 2018), and was therefore a candidate for classification through an automated scoring system. Utilizing variant allele frequency, disease prevalence and penetrance estimates, and inheritance mode, an automated score was calculated to assess if this variant is too frequent to cause the disease. Based on the score and internal cut-off values, a variant classified as likely benign is not then subjected to further curation. The score for this variant resulted in a classification of likely benign for this disease.

NM_005422.4(TECTA):c.5205C>T (p.Ala1735=)

Genes: TECTA (tectorin alpha; plus strand), TBCEL-TECTA (TBCEL-TECTA readthrough; plus strand). Cytogenetic location: 11q23.3.
Variant type: single nucleotide variant.
Coding change: c.5205C>T on transcript NM_005422.4 (MANE Select); coding-DNA position 5205, C replaced by T.
Protein change: p.Ala1735=; no amino-acid change (alanine 1735 retained).
Molecular consequence: synonymous variant.
Genome position (GRCh38, 1-based): chr11:121,162,303, C>T. VCF-style: chr11-121162303-C-T. GRCh37 (hg19) VCF-style: chr11-121033012-C-T.
Identifiers: ClinVar variation 879785 (VCV000879785.11), dbSNP rs762504147, ClinGen allele CA6327667.